The following is an entry in ClinVar:

NM_181703.4(GJA5):c.895G>A (p.Glu299Lys)

Gene: GJA5 (gap junction protein alpha 5; minus strand). Cytogenetic location: 1q21.2.
Variant type: single nucleotide variant.
Coding change: c.895G>A on transcript NM_181703.4 (MANE Select); coding-DNA position 895, G replaced by A.
Protein change: p.Glu299Lys; replaces glutamic acid 299 with lysine.
Molecular consequence: missense variant.
Genome position (GRCh38, 1-based): chr1:147,758,344, C>T on the plus strand (G>A on the coding strand, the complement: GJA5 is on the minus strand). VCF-style: chr1-147758344-C-T. GRCh37 (hg19) VCF-style: chr1-147230452-C-T.
Other names: c.895G>A, p.Glu299Lys (NM_005266.7); short protein forms E299K.
Identifiers: ClinVar variation 487608 (VCV000487608.1), dbSNP rs1553226803, ClinGen allele CA342394121.

ClinVar aggregate classification (germline): Uncertain significance (0 of 4 stars; one submission).

Conditions:
Wolff-Parkinson-White pattern. Also called: WPW SYNDROME; Auriculoventricular accessory pathway syndrome; False bundle branch block syndrome; Anomalous ventricular excitation syndrome. Identifiers: MedGen C0043202, MONDO:0008685, OMIM 194200, HP:0001716.

gnomAD v4.1: 1 of 1,614,118 alleles (0.000062%); no homozygotes.

Submission:

Lupski Lab, Baylor-Hopkins CMG, Baylor College of Medicine
Classification: Uncertain significance for Wolff-Parkinson-White pattern. Last evaluated: 2017-07-14. Review status: no assertion criteria provided. Collection method: research. Allele origin: unknown. Affected: yes. Observed: 1 variant allele. Study: Candidate_variants_in_patients_with_ Wolff-Parkinson-White Syndrome.